The following is an entry in ClinVar:

NM_198428.3(BBS9):c.850G>T (p.Asp284Tyr)

Gene: BBS9 (Bardet-Biedl syndrome 9; plus strand). Cytogenetic location: 7p14.3.
Variant type: single nucleotide variant.
Coding change: c.850G>T on transcript NM_198428.3 (MANE Select); coding-DNA position 850, G replaced by T.
Protein change: p.Asp284Tyr; replaces aspartic acid 284 with tyrosine.
Molecular consequence: missense variant. On other transcripts: non-coding transcript variant (3).
Genome position (GRCh38, 1-based): chr7:33,273,159, G>T. VCF-style: chr7-33273159-G-T. GRCh37 (hg19) VCF-style: chr7-33312771-G-T.
Other names: c.850G>T (NM_198428.2); c.850G>T, p.Asp284Tyr (NM_001033604.2, NM_001033605.2, NM_001348036.1 and 5 more transcripts); c.484G>T, p.Asp162Tyr (NM_001348037.3, NM_001348044.3, NM_001348045.3 and 1 more transcripts); c.577G>T, p.Asp193Tyr (NM_001348038.3, NM_001348039.3); c.715G>T, p.Asp239Tyr (NM_001348042.3); short protein forms D193Y, D239Y, D162Y, D284Y.
Identifiers: ClinVar variation 1476663 (VCV001476663.7), dbSNP rs1800127011, ClinGen allele CA367254579.
Genomic context (GRCh38, chr7:33,273,159, plus strand): 5'-GGTGAGAGAAACTTTTTTTGCCTTAAGGATAATGGACAAATTCGATTCATGAAGAAGCTT[G>T]ATTGGAGCCCAAGTTGTTTTCTGCCATATTGCTCAGGTGTGTAGAAAGATTTTCTTTTAT-3'
Protein context (NP_940820.1, residues 274-294): NGQIRFMKKL[Asp284Tyr]WSPSCFLPYC

ClinVar aggregate classification (germline): Uncertain significance. Review status: criteria provided, multiple submitters, no conflicts (2 of 4 stars). 2 submissions from 2 submitters: Uncertain significance (2). Last evaluated 2021-10-14.

Conditions:
Inborn genetic diseases. Identifiers: MedGen C0950123, MeSH D030342.
Bardet-Biedl syndrome (BBS). Identifiers: Orphanet 110, MedGen C0752166, MONDO:0015229.

Submissions (2):

Labcorp Genetics (formerly Invitae), Labcorp
Classification: Uncertain significance for Bardet-Biedl syndrome. Last evaluated: 2021-10-14. Review status: criteria provided, single submitter. Criteria: Invitae Variant Classification Sherloc (09022015). Collection method: clinical testing. Allele origin: germline.
Comment: This variant is not present in population databases (ExAC no frequency). In summary, the available evidence is currently insufficient to determine the role of this variant in disease. Therefore, it has been classified as a Variant of Uncertain Significance. Algorithms developed to predict the effect of missense changes on protein structure and function (SIFT, PolyPhen-2, Align-GVGD) all suggest that this variant is likely to be disruptive. This sequence change replaces aspartic acid with tyrosine at codon 284 of the BBS9 protein (p.Asp284Tyr). The aspartic acid residue is highly conserved and there is a large physicochemical difference between aspartic acid and tyrosine. This variant has not been reported in the literature in individuals affected with BBS9-related conditions.

Ambry Genetics
Classification: Uncertain significance for Inborn genetic diseases. Last evaluated: 2021-09-27. Review status: criteria provided, single submitter. Criteria: Ambry Variant Classification Scheme 2023. Collection method: clinical testing. Allele origin: germline.